The following is an entry in ClinVar:

NM_000390.4(CHM):c.1594_1601dup (p.Met534fs)

Gene: CHM (CHM Rab escort protein; minus strand). Cytogenetic location: Xq21.2.
Variant type: Duplication.
Coding change: c.1594_1601dup on transcript NM_000390.4 (MANE Select); coding-DNA positions 1594 to 1601, 8 bases duplicated (ACTGAAAT; older notation c.1594_1601dupACTGAAAT).
Protein change: p.Met534fs; shifts the reading frame from methionine 534.
Molecular consequence: frameshift variant.
Genome position (GRCh38, 1-based): chrX:85,878,973-85,878,980, ATTTCAGT duplicated on the plus strand (ACTGAAAT on the coding strand, the reverse complement: CHM is on the minus strand); duplicating any 8 consecutive bases within chrX:85,878,973-85,878,982 gives the same sequence; the c. name uses the placement nearest the transcript's 3' end. VCF-style (leftmost placement, unchanged base first): chrX-85878972-C-CATTTCAGT. GRCh37 (hg19) VCF-style: chrX-85133977-C-CATTTCAGT.
Other names: c.1150_1157dup, p.Met386fs (NM_001320959.1, NM_001362517.1, NM_001362518.2 and 1 more transcripts); short protein forms M386fs, M534fs.
Identifiers: ClinVar variation 3659723 (VCV003659723.2).

ClinVar aggregate classification (germline): Pathogenic (1 of 4 stars; one submission).

Submission:

Labcorp Genetics (formerly Invitae), Labcorp
Classification: Pathogenic. Last evaluated: 2024-08-21. Review status: criteria provided, single submitter. Criteria: Invitae Variant Classification Sherloc (09022015). Collection method: clinical testing. Allele origin: germline.
Comment: This sequence change creates a premature translational stop signal (p.Met534Ilefs*6) in the CHM gene. It is expected to result in an absent or disrupted protein product. Loss-of-function variants in CHM are known to be pathogenic (PMID: 9067750, 23811034). This variant is not present in population databases (gnomAD no frequency). This variant has not been reported in the literature in individuals affected with CHM-related conditions. For these reasons, this variant has been classified as Pathogenic.

Literature cited by the submitters: PubMed 9067750; PubMed 23811034.